The following is an entry in ClinVar:

NM_001365951.3(KIF1B):c.688C>G (p.His230Asp)

Gene: KIF1B (kinesin family member 1B; plus strand). Cytogenetic location: 1p36.22.
Variant type: single nucleotide variant.
Coding change: c.688C>G on transcript NM_001365951.3 (MANE Select); coding-DNA position 688, C replaced by G.
Protein change: p.His230Asp; replaces histidine 230 with aspartic acid.
Molecular consequence: missense variant.
Genome position (GRCh38, 1-based): chr1:10,268,231, C>G. VCF-style: chr1-10268231-C-G. GRCh37 (hg19) VCF-style: chr1-10328289-C-G.
Other names: c.688C>G, p.His230Asp (NM_001365952.1, NM_001365953.1, NM_015074.3 and 1 more transcripts); short protein forms H230D.
Identifiers: ClinVar variation 1755981 (VCV001755981.2), dbSNP rs1648579046, ClinGen allele CA338330562.
Genomic context (GRCh38, chr1:10,268,231, plus strand): 5'-ATGAATGAAACAAGTAGCCGTTCCCACGCTGTGTTTACGATTGTTTTCACCCAGAAGAAA[C>G]ACGATAATGAGACCAACCTTTCCACTGAGAAGGTAGGAGAGTTTCAGTCTCTAGGCTTGA-3'
Protein context (NP_001352880.1, residues 220-240): VFTIVFTQKK[His230Asp]DNETNLSTEK

ClinVar aggregate classification (germline): Uncertain significance (1 of 4 stars; one submission).

Submission:

Ambry Genetics
Classification: Uncertain significance. Last evaluated: 2022-03-31. Review status: criteria provided, single submitter. Criteria: Ambry Variant Classification Scheme 2023. Collection method: clinical testing. Allele origin: germline.
Comment: The p.H230D variant (also known as c.688C>G), located in coding exon 6 of the KIF1B gene, results from a C to G substitution at nucleotide position 688. The histidine at codon 230 is replaced by aspartic acid, an amino acid with similar properties. This amino acid position is conserved. In addition, this alteration is predicted to be tolerated by in silico analysis. Since supporting evidence is limited at this time, the clinical significance of this alteration remains unclear.